The following is an entry in ClinVar:

ClinVar aggregate classification (germline): Uncertain significance (1 of 4 stars; one submission).

Submission:

Labcorp Genetics (formerly Invitae), Labcorp
Classification: Uncertain significance. Last evaluated: 2023-12-27. Review status: criteria provided, single submitter. Criteria: Invitae Variant Classification Sherloc (09022015). Collection method: clinical testing. Allele origin: germline.
Comment: This sequence change replaces serine, which is neutral and polar, with arginine, which is basic and polar, at codon 1209 of the A2ML1 protein (p.Ser1209Arg). This variant is not present in population databases (gnomAD no frequency). This variant has not been reported in the literature in individuals affected with A2ML1-related conditions. Algorithms developed to predict the effect of missense changes on protein structure and function output the following: SIFT: "Not Available"; PolyPhen-2: "Benign"; Align-GVGD: "Not Available". The arginine amino acid residue is found in multiple mammalian species, which suggests that this missense change does not adversely affect protein function. In summary, the available evidence is currently insufficient to determine the role of this variant in disease. Therefore, it has been classified as a Variant of Uncertain Significance.

NM_144670.6(A2ML1):c.3625A>C (p.Ser1209Arg)

Gene: A2ML1 (alpha-2-macroglobulin like 1; plus strand). Cytogenetic location: 12p13.31.
Variant type: single nucleotide variant.
Coding change: c.3625A>C on transcript NM_144670.6 (MANE Select); coding-DNA position 3625, A replaced by C.
Protein change: p.Ser1209Arg; replaces serine 1209 with arginine.
Molecular consequence: missense variant.
Genome position (GRCh38, 1-based): chr12:8,863,916, A>C. VCF-style: chr12-8863916-A-C. GRCh37 (hg19) VCF-style: chr12-9016512-A-C.
Other names: c.2152A>C, p.Ser718Arg (NM_001282424.3); short protein forms S1209R, S718R.
Identifiers: ClinVar variation 2767239 (VCV002767239.3), dbSNP rs2539298395, ClinGen allele CA383842264.